The following is an entry in ClinVar:

ClinVar aggregate classification (germline): Likely benign (1 of 4 stars; one submission).

gnomAD v4.1: 17 of 1,608,752 alleles (0.0011%); highest among the groups gnomAD compares: Non-Finnish European, 0.0012%; no homozygotes.

Submission:

CeGaT Center for Human Genetics Tuebingen
Classification: Likely benign. Last evaluated: 2025-11-01. Review status: criteria provided, single submitter. Criteria: CeGaT Center For Human Genetics Tuebingen Variant Classification Criteria Version 2. Collection method: clinical testing. Allele origin: germline. Affected: yes. Observed: 1 variant allele.
Comment: SMARCA5: BP4

NM_003601.4(SMARCA5):c.3094-5T>C

Gene: SMARCA5 (SNF2 related chromatin remodeling ATPase 5; plus strand). Cytogenetic location: 4q31.21.
Variant type: single nucleotide variant.
Coding change: c.3094-5T>C on transcript NM_003601.4 (MANE Select); 5 bases into the intron before coding-DNA position 3094, T replaced by C.
Molecular consequence: intron variant.
Genome position (GRCh38, 1-based): chr4:143,553,114, T>C. VCF-style: chr4-143553114-T-C. GRCh37 (hg19) VCF-style: chr4-144474267-T-C.
Identifiers: ClinVar variation 4534558 (VCV004534558.6).